The following is an entry in ClinVar:

NM_005765.2(ATP6AP2):c.-224C>T

Genes: ATP6AP2 (ATPase H+ transporting accessory protein 2; plus strand), LOC130068148 (ATAC-STARR-seq lymphoblastoid active region 29547; plus strand). Cytogenetic location: Xp11.4.
Variant type: single nucleotide variant.
Coding change: c.-224C>T on transcript NM_005765.2; 224 bases upstream of the start codon, C replaced by T.
Genome position (GRCh38, 1-based): chrX:40,580,842, C>T. VCF-style: chrX-40580842-C-T. GRCh37 (hg19) VCF-style: chrX-40440094-C-T.
Identifiers: ClinVar variation 677652 (VCV000677652.4), dbSNP rs140128339, ClinGen allele CA328980554.

ClinVar aggregate classification (germline): Likely benign. Review status: criteria provided, multiple submitters, no conflicts (2 of 4 stars). 2 submissions from 2 submitters: Likely benign (2). Last evaluated 2018-06-19.

Allele frequency attached by ClinVar (database versions not stated): gnomAD exomes 0.00140; gnomAD 0.01052 and 0.00995; 1000 Genomes Project 0.01086; TOPMed 0.01198; 1000 Genomes Project 30x 0.01353.

Submissions (2):

GeneDx
Classification: Likely benign. Last evaluated: 2018-06-19. Review status: criteria provided, single submitter. Criteria: GeneDx Variant Classification (06012015). Collection method: clinical testing. Allele origin: germline. Affected: yes.
Comment: This variant is considered likely benign or benign based on one or more of the following criteria: it is a conservative change, it occurs at a poorly conserved position in the protein, it is predicted to be benign by multiple in silico algorithms, and/or has population frequency not consistent with disease.

Breakthrough Genomics
Classification: Likely benign. Review status: criteria provided, single submitter. Criteria: ACMG Guidelines, 2015. Collection method: not provided. Allele origin: germline. Inheritance: X-linked inheritance. Affected: yes.